The following is an entry in ClinVar:

NM_012210.4(TRIM32):c.925A>T (p.Met309Leu)

Genes: ASTN2 (astrotactin 2; minus strand), TRIM32 (tripartite motif containing 32; plus strand). Cytogenetic location: 9q33.1.
Variant type: single nucleotide variant.
Coding change: c.925A>T on transcript NM_012210.4 (MANE Select); coding-DNA position 925, A replaced by T.
Protein change: p.Met309Leu; replaces methionine 309 with leucine.
Molecular consequence: missense variant. On other transcripts: intron variant (3).
Genome position (GRCh38, 1-based): chr9:116,698,667, A>T. VCF-style: chr9-116698667-A-T. GRCh37 (hg19) VCF-style: chr9-119460946-A-T.
Other names: c.925A>T, p.Met309Leu (NM_001099679.2, NM_001379048.1, NM_001379049.1 and 1 more transcripts); c.2653+27104T>A (NM_014010.5); c.2794+27104T>A (NM_001365069.1); c.2806+27104T>A (NM_001365068.1); short protein forms M309L.
Identifiers: ClinVar variation 1440526 (VCV001440526.7), dbSNP rs1861013304, ClinGen allele CA374650380.
Genomic context (GRCh38, chr9:116,698,667, plus strand): 5'-CTCCAAATTGGACAAGCTGTTAAGAAGCCCCGGACAGTTAACGTGGAAGATTCCTGGGCC[A>T]TGGAGGCCACAGCGTCTGCTGCCTCTACCTCTGTTACTTTTAGAGAGATGGACATGAGCC-3'
Protein context (NP_036342.2, residues 299-319): RTVNVEDSWA[Met309Leu]EATASAASTS

ClinVar aggregate classification (germline): Uncertain significance. Review status: criteria provided, single submitter (1 of 4 stars). 2 submissions from 2 submitters: Uncertain significance (1). 1 of the submissions does not count toward it. Last evaluated 2022-08-09.

Conditions:
TRIM32-related disorder. Also called: TRIM32-related condition.
Bardet-Biedl syndrome (BBS). Identifiers: Orphanet 110, MedGen C0752166, MONDO:0015229.

Allele frequency attached by ClinVar (database versions not stated): TOPMed below 0.00001.

Submissions (2):

Labcorp Genetics (formerly Invitae), Labcorp
Classification: Uncertain significance for Bardet-Biedl syndrome. Last evaluated: 2022-08-09. Review status: criteria provided, single submitter. Criteria: Invitae Variant Classification Sherloc (09022015). Collection method: clinical testing. Allele origin: germline.
Comment: This sequence change replaces methionine, which is neutral and non-polar, with leucine, which is neutral and non-polar, at codon 309 of the TRIM32 protein (p.Met309Leu). In summary, the available evidence is currently insufficient to determine the role of this variant in disease. Therefore, it has been classified as a Variant of Uncertain Significance. Algorithms developed to predict the effect of missense changes on protein structure and function (SIFT, PolyPhen-2, Align-GVGD) all suggest that this variant is likely to be tolerated. ClinVar contains an entry for this variant (Variation ID: 1440526). This variant has not been reported in the literature in individuals affected with TRIM32-related conditions. This variant is not present in population databases (gnomAD no frequency).

PreventionGenetics, part of Exact Sciences
Classification: Uncertain significance for TRIM32-related condition. Last evaluated: 2024-07-10. Review status: no assertion criteria provided. Collection method: clinical testing. Allele origin: germline. Not counted in ClinVar's aggregate classification.
Comment: The TRIM32 c.925A>T variant is predicted to result in the amino acid substitution p.Met309Leu. To our knowledge, this variant has not been reported in the literature or in a large population database, indicating this variant is rare. At this time, the clinical significance of this variant is uncertain due to the absence of conclusive functional and genetic evidence.